The following is an entry in ClinVar:

ClinVar aggregate classification (germline): Likely pathogenic (1 of 4 stars; one submission).

Submission:

CeGaT Center for Human Genetics Tuebingen
Classification: Likely pathogenic. Last evaluated: 2022-07-01. Review status: criteria provided, single submitter. Criteria: CeGaT Center For Human Genetics Tuebingen Variant Classification Criteria Version 2. Collection method: clinical testing. Allele origin: germline. Affected: yes. Observed: 1 variant allele.
Comment: UBE3B: PVS1:Strong, PM2

NM_130466.4(UBE3B):c.2003_2004del (p.Leu668fs)

Gene: UBE3B (ubiquitin protein ligase E3B; plus strand). Cytogenetic location: 12q24.11.
Variant type: Deletion.
Coding change: c.2003_2004del on transcript NM_130466.4 (MANE Select); coding-DNA positions 2003 to 2004, 2 bases deleted (TG; older notation c.2003_2004delTG).
Protein change: p.Leu668fs; shifts the reading frame from leucine 668.
Molecular consequence: frameshift variant.
Genome position (GRCh38, 1-based): chr12:109,516,811-109,516,812, TG deleted. VCF-style (leftmost placement, unchanged base first): chr12-109516810-CTG-C. GRCh37 (hg19) VCF-style: chr12-109954615-CTG-C.
Other names: c.2003_2004del, p.Leu668fs (NM_183415.3); short protein forms L668fs.
Identifiers: ClinVar variation 2643274 (VCV002643274.24), dbSNP rs2548543947, ClinGen allele CA2695199169.
Genomic context (GRCh38, chr12:109,516,810, plus strand): 5'-CTTTGTTCATTTTAGAGAGTTCTACTGTTTCGAACCATGGTTACCAAGGAGAAGGAGAAA[CTG>C]GGGCTGGTGGAAACCAGCTCTGCCTCCCCGCATGTCACTCACATCACCATCCGCCGGTCC-3'